The following is an entry in ClinVar:

ClinVar aggregate classification (germline): Uncertain significance. Review status: criteria provided, multiple submitters, no conflicts (2 of 4 stars). 3 submissions from 3 submitters: Uncertain significance (3). Last evaluated 2025-06-30.

Conditions:
Baller-Gerold syndrome (BGS). Also called: CRANIOSYNOSTOSIS WITH RADIAL DEFECTS. Identifiers: Orphanet 1225, MedGen C0265308, MONDO:0009039, OMIM 218600.
Inborn genetic diseases. Identifiers: MedGen C0950123, MeSH D030342.

Allele frequency attached by ClinVar (database versions not stated): ExAC 0.00001; gnomAD 0.00001; gnomAD exomes 0.00001.

Submissions (3):

Labcorp Genetics (formerly Invitae), Labcorp
Classification: Uncertain significance for Baller-Gerold syndrome. Last evaluated: 2025-06-30. Review status: criteria provided, single submitter. Criteria: Invitae Variant Classification Sherloc (09022015). Collection method: clinical testing. Allele origin: germline.
Comment: This sequence change replaces glycine, which is neutral and non-polar, with aspartic acid, which is acidic and polar, at codon 170 of the RECQL4 protein (p.Gly170Asp). This variant is present in population databases (rs768956367, gnomAD 0.006%). This variant has not been reported in the literature in individuals affected with RECQL4-related conditions. ClinVar contains an entry for this variant (Variation ID: 654900). Invitae Evidence Modeling of protein sequence and biophysical properties (such as structural, functional, and spatial information, amino acid conservation, physicochemical variation, residue mobility, and thermodynamic stability) indicates that this missense variant is not expected to disrupt RECQL4 protein function with a negative predictive value of 80%. In summary, the available evidence is currently insufficient to determine the role of this variant in disease. Therefore, it has been classified as a Variant of Uncertain Significance.

Ambry Genetics
Classification: Uncertain significance for Inborn genetic diseases. Last evaluated: 2025-01-13. Review status: criteria provided, single submitter. Criteria: Ambry Variant Classification Scheme 2023. Collection method: clinical testing. Allele origin: germline.
Comment: The p.G170D variant (also known as c.509G>A), located in coding exon 5 of the RECQL4 gene, results from a G to A substitution at nucleotide position 509. The glycine at codon 170 is replaced by aspartic acid, an amino acid with similar properties. This amino acid position is conserved. In addition, the in silico prediction for this alteration is inconclusive. Based on the available evidence, the clinical significance of this variant remains unclear.

Blueprint Genetics
Classification: Uncertain significance. Last evaluated: 2018-08-21. Review status: criteria provided, single submitter. Criteria: ACMG Guidelines, 2015. Collection method: clinical testing. Allele origin: germline.

NM_004260.4(RECQL4):c.509G>A (p.Gly170Asp)

Gene: RECQL4 (RecQ like helicase 4; minus strand). Cytogenetic location: 8q24.3.
Variant type: single nucleotide variant.
Coding change: c.509G>A on transcript NM_004260.4 (MANE Select); coding-DNA position 509, G replaced by A.
Protein change: p.Gly170Asp; replaces glycine 170 with aspartic acid.
Molecular consequence: missense variant.
Genome position (GRCh38, 1-based): chr8:144,516,610, C>T on the plus strand (G>A on the coding strand, the complement: RECQL4 is on the minus strand). VCF-style: chr8-144516610-C-T. GRCh37 (hg19) VCF-style: chr8-145741994-C-T.
Other names: short protein forms G170D.
Identifiers: ClinVar variation 654900 (VCV000654900.9), dbSNP rs768956367, ClinGen allele CA4949268.